The following is an entry in ClinVar:

NM_004560.4(ROR2):c.915C>G (p.Ile305Met)

Gene: ROR2 (ROR family WNT receptor 2; minus strand). Cytogenetic location: 9q22.31.
Variant type: single nucleotide variant.
Coding change: c.915C>G on transcript NM_004560.4 (MANE Select); coding-DNA position 915, C replaced by G.
Protein change: p.Ile305Met; replaces isoleucine 305 with methionine.
Molecular consequence: missense variant.
Genome position (GRCh38, 1-based): chr9:91,733,144, G>C on the plus strand (C>G on the coding strand, the complement: ROR2 is on the minus strand). VCF-style: chr9-91733144-G-C. GRCh37 (hg19) VCF-style: chr9-94495426-G-C.
Other names: c.915C>G, p.Ile305Met (NM_001318204.2); short protein forms I305M.
Identifiers: ClinVar variation 4881481 (VCV004881481.2).

ClinVar aggregate classification (germline): Uncertain significance (1 of 4 stars; one submission).

gnomAD v4.1: 1 of 1,600,200 alleles (0.000062%); no homozygotes.

Submission:

Dasa
Classification: Uncertain significance. Last evaluated: 2025-08-17. Review status: criteria provided, single submitter. Criteria: DASA Assertion Criteria. Collection method: clinical testing. Allele origin: germline.
Comment: NM_004560.4(ROR2):c.915C>G (p.Ile305Met) is a missense variant that results in the substitution of isoleucine with methionine. This variant is rare in population databases. The currently available literature and clinical evidence are not sufficient to establish a definitive association between this variant and the reported condition. Therefore, this variant is classified as a variant of uncertain significance.